The following is an entry in ClinVar:

NM_001040142.2(SCN2A):c.3823T>C (p.Cys1275Arg)

Gene: SCN2A (sodium voltage-gated channel alpha subunit 2; plus strand). Cytogenetic location: 2q24.3.
Variant type: single nucleotide variant.
Coding change: c.3823T>C on transcript NM_001040142.2 (MANE Select); coding-DNA position 3823, T replaced by C.
Protein change: p.Cys1275Arg; replaces cysteine 1275 with arginine.
Molecular consequence: missense variant.
Genome position (GRCh38, 1-based): chr2:165,370,273, T>C. VCF-style: chr2-165370273-T-C. GRCh37 (hg19) VCF-style: chr2-166226783-T-C.
Other names: c.3823T>C, p.Cys1275Arg (NM_001040143.2, NM_001371246.1, NM_001371247.1 and 1 more transcripts); c.3823T>C (NM_021007.2); short protein forms C1275R.
Identifiers: ClinVar variation 1508868 (VCV001508868.10), dbSNP rs2105365343, ClinGen allele CA349028388.

ClinVar aggregate classification (germline): Pathogenic/Likely pathogenic. Review status: criteria provided, multiple submitters, no conflicts (2 of 4 stars). 2 submissions from 2 submitters: Pathogenic (1); Likely pathogenic (1). Last evaluated 2025-04-15.

Conditions:
Developmental and epileptic encephalopathy, 11 (DEE11). Also called: Early infantile epileptic encephalopathy 11. Identifiers: Orphanet 1934, MedGen C3150987, MONDO:0013388, OMIM 613721.
Seizures, benign familial infantile, 3 (BFIS3). Also called: CONVULSIONS, BENIGN FAMILIAL INFANTILE, 3; Familial neonatal seizures. Identifiers: Orphanet 140927, Orphanet 306, MedGen C1843140, MONDO:0011904, OMIM 607745.

Submissions (2):

GeneDx
Classification: Pathogenic. Last evaluated: 2025-04-15. Review status: criteria provided, single submitter. Criteria: GeneDx Variant Classification Process June 2021. Collection method: clinical testing. Allele origin: germline.
Comment: Published functional studies suggest a damaging effect (PMID: 38651838); Not observed at significant frequency in large population cohorts (gnomAD); In silico analysis supports that this missense variant has a deleterious effect on protein structure/function; This substitution is predicted to be within the transmembrane segment S3 of the third homologous domain; This variant is associated with the following publications: (PMID: 38651838)

Labcorp Genetics (formerly Invitae), Labcorp
Classification: Likely pathogenic for Seizures, benign familial infantile, 3; Developmental and epileptic encephalopathy, 11. Last evaluated: 2021-08-03. Review status: criteria provided, single submitter. Criteria: Invitae Variant Classification Sherloc (09022015). Collection method: clinical testing. Allele origin: germline.
Comment: In summary, the currently available evidence indicates that the variant is pathogenic, but additional data are needed to prove that conclusively. Therefore, this variant has been classified as Likely Pathogenic. Algorithms developed to predict the effect of missense changes on protein structure and function are either unavailable or do not agree on the potential impact of this missense change (SIFT: "Deleterious"; PolyPhen-2: "Probably Damaging"; Align-GVGD: "Class C0"). This variant has been observed in individual(s) with clinical features of early infantile epileptic encephalopathy (Invitae). In at least one individual the variant was observed to be de novo. This variant is not present in population databases (ExAC no frequency). This sequence change replaces cysteine with arginine at codon 1275 of the SCN2A protein (p.Cys1275Arg). The cysteine residue is highly conserved and there is a large physicochemical difference between cysteine and arginine.